The following is an entry in ClinVar:

ClinVar aggregate classification (germline): Uncertain significance (1 of 4 stars; one submission).

Submission:

Labcorp Genetics (formerly Invitae), Labcorp
Classification: Uncertain significance. Last evaluated: 2022-01-23. Review status: criteria provided, single submitter. Criteria: Invitae Variant Classification Sherloc (09022015). Collection method: clinical testing. Allele origin: germline.
Comment: A copy number gain of the genomic region encompassing the full coding sequence of the TNFSF11 gene has been identified. The boundaries of this event are unknown as they extend beyond the assayed region for this gene and therefore may encompass additional genes. As the precise location of this event is unknown, it may be in tandem or it may be located elsewhere in the genome. This variant has not been reported in the literature in individuals affected with TNFSF11-related conditions. Experimental studies and prediction algorithms are not available or were not evaluated, and the functional significance of this variant is currently unknown. In summary, the available evidence is currently insufficient to determine the role of this variant in disease. Therefore, it has been classified as a Variant of Uncertain Significance.

NC_000013.10:g.(?_41367363)_(43181054_?)dup

Genes: MTRF1 (mitochondrial translation release factor 1; minus strand), TNFSF11 (TNF superfamily member 11; plus strand), VWA8 (von Willebrand factor A domain containing 8; minus strand), NAA16 (N-alpha-acetyltransferase 16, NatA auxiliary subunit; plus strand), RGCC (regulator of cell cycle; plus strand) and 7 more. Cytogenetic location: 13q14.11.
Variant type: Duplication.
Identifiers: ClinVar variation 2424733 (VCV002424733.3).